The following is an entry in ClinVar:

ClinVar aggregate classification (germline): Pathogenic (1 of 4 stars; one submission).

Conditions:
Colorectal cancer, hereditary nonpolyposis, type 7. Identifiers: Orphanet 144, MedGen C1858380, MONDO:0013725, OMIM 614385.

Submission:

Myriad Genetics, Inc.
Classification: Pathogenic for Colorectal cancer, hereditary nonpolyposis, type 7. Last evaluated: 2026-03-31. Review status: criteria provided, single submitter. Criteria: Myriad Autosomal Dominant, Autosomal Recessive and X-Linked Classification Criteria (2023). Collection method: clinical testing. Allele origin: unknown.
Comment: This variant is considered pathogenic. This variant creates a frameshift predicted to result in premature protein truncation.

NM_001040108.2(MLH3):c.1056dup (p.Leu353fs)

Gene: MLH3 (mutL homolog 3; minus strand). Cytogenetic location: 14q24.3.
Variant type: Duplication.
Coding change: c.1056dup on transcript NM_001040108.2 (MANE Select); coding-DNA position 1056, one base duplicated (A; older notation c.1056dupA).
Protein change: p.Leu353fs; shifts the reading frame from leucine 353.
Molecular consequence: frameshift variant.
Genome position (GRCh38, 1-based): chr14:75,048,600, T duplicated on the plus strand (A on the coding strand, the reverse complement: MLH3 is on the minus strand); the first of 5 consecutive T bases (chr14:75,048,600-75,048,604); duplicating any one gives the same sequence. VCF-style (leftmost placement, unchanged base first): chr14-75048599-A-AT. GRCh37 (hg19) VCF-style: chr14-75515302-A-AT.
Other names: c.1056dup, p.Leu353fs (NM_014381.3); short protein forms L353fs.
Identifiers: ClinVar variation 4856770 (VCV004856770.1).